The following is an entry in ClinVar:

ClinVar aggregate classification (germline): Uncertain significance (1 of 4 stars; one submission).

Conditions:
Aicardi-Goutieres syndrome 6 (AGS6). Identifiers: Orphanet 51, MedGen C3539013, MONDO:0014007, OMIM 615010.
Symmetrical dyschromatosis of extremities (DSH). Also called: DYSCHROMATOSIS SYMMETRICA HEREDITARIA 1; RETICULATE ACROPIGMENTATION OF DOHI; SYMMETRIC DYSCHROMATOSIS OF THE EXTREMITIES; Dyschromatosis symmetrica hereditaria. Identifiers: Orphanet 41, MedGen C0406775, MONDO:0007483, OMIM 127400.

Submission:

Labcorp Genetics (formerly Invitae), Labcorp
Classification: Uncertain significance for Aicardi-Goutieres syndrome 6; Symmetrical dyschromatosis of extremities. Last evaluated: 2020-07-20. Review status: criteria provided, single submitter. Criteria: Invitae Variant Classification Sherloc (09022015). Collection method: clinical testing. Allele origin: germline.
Comment: This variant is not present in population databases (ExAC no frequency). In summary, the available evidence is currently insufficient to determine the role of this variant in disease. Therefore, it has been classified as a Variant of Uncertain Significance. Algorithms developed to predict the effect of missense changes on protein structure and function are either unavailable or do not agree on the potential impact of this missense change (SIFT: "Deleterious"; PolyPhen-2: "Probably Damaging"; Align-GVGD: "Class C0"). This variant has not been reported in the literature in individuals with ADAR-related conditions. This sequence change replaces glutamine with glutamic acid at codon 43 of the ADAR protein (p.Gln43Glu). The glutamine residue is moderately conserved and there is a small physicochemical difference between glutamine and glutamic acid.

NM_001111.5(ADAR):c.127C>G (p.Gln43Glu)

Gene: ADAR (adenosine deaminase RNA specific; minus strand). Cytogenetic location: 1q21.3.
Variant type: single nucleotide variant.
Coding change: c.127C>G on transcript NM_001111.5 (MANE Select); coding-DNA position 127, C replaced by G.
Protein change: p.Gln43Glu; replaces glutamine 43 with glutamic acid.
Molecular consequence: missense variant. On other transcripts: 5 prime UTR variant (6).
Genome position (GRCh38, 1-based): chr1:154,602,515, G>C on the plus strand (C>G on the coding strand, the complement: ADAR is on the minus strand). VCF-style: chr1-154602515-G-C. GRCh37 (hg19) VCF-style: chr1-154574991-G-C.
Other names: c.-759C>G (NM_001025107.3, NM_001193495.2, NM_001365048.1); c.154C>G, p.Gln52Glu (NM_001365045.1); c.-623C>G (NM_001365046.1, NM_001365047.1, NM_001365049.1); c.127C>G, p.Gln43Glu (NM_015840.4, NM_015841.4); short protein forms Q43E, Q52E.
Identifiers: ClinVar variation 1023576 (VCV001023576.8), dbSNP rs1697954006, ClinGen allele CA342606705.